The following is an entry in ClinVar:

NM_001023570.4(IQCB1):c.445C>A (p.Leu149Ile)

Gene: IQCB1 (IQ motif containing B1; minus strand). Cytogenetic location: 3q13.33.
Variant type: single nucleotide variant.
Coding change: c.445C>A on transcript NM_001023570.4 (MANE Select); coding-DNA position 445, C replaced by A.
Protein change: p.Leu149Ile; replaces leucine 149 with isoleucine.
Molecular consequence: missense variant. On other transcripts: non-coding transcript variant (1).
Genome position (GRCh38, 1-based): chr3:121,808,958, G>T on the plus strand (C>A on the coding strand, the complement: IQCB1 is on the minus strand). VCF-style: chr3-121808958-G-T. GRCh37 (hg19) VCF-style: chr3-121527805-G-T.
Other names: c.445C>A, p.Leu149Ile (NM_001023571.4, NM_001319107.2); short protein forms L149I.
Identifiers: ClinVar variation 1446640 (VCV001446640.10), dbSNP rs1001594561, ClinGen allele CA82691577.

ClinVar aggregate classification (germline): Uncertain significance. Review status: criteria provided, multiple submitters, no conflicts (2 of 4 stars). 2 submissions from 2 submitters: Uncertain significance (2). Last evaluated 2025-12-15.

Conditions:
Nephronophthisis. Also called: Juvenile Nephronophthisis. Identifiers: Orphanet 655, MedGen C0687120, MONDO:0019005, HP:0000090.
Senior-Loken syndrome 5 (SLSN5). Identifiers: Orphanet 3156, MedGen C1836517, MONDO:0012225, OMIM 609254.

Allele frequency attached by ClinVar (database versions not stated): gnomAD 0.00003.

Submissions (2):

Labcorp Genetics (formerly Invitae), Labcorp
Classification: Uncertain significance for Nephronophthisis. Last evaluated: 2025-12-15. Review status: criteria provided, single submitter. Criteria: Invitae Variant Classification Sherloc (09022015). Collection method: clinical testing. Allele origin: germline.
Comment: This sequence change replaces leucine, which is neutral and non-polar, with isoleucine, which is neutral and non-polar, at codon 149 of the IQCB1 protein (p.Leu149Ile). This variant is present in population databases (no rsID available, gnomAD 0.02%). This variant has not been reported in the literature in individuals affected with IQCB1-related conditions. ClinVar contains an entry for this variant (Variation ID: 1446640). Invitae Evidence Modeling of protein sequence and biophysical properties (such as structural, functional, and spatial information, amino acid conservation, physicochemical variation, residue mobility, and thermodynamic stability) indicates that this missense variant is not expected to disrupt IQCB1 protein function with a negative predictive value of 80%. In summary, the available evidence is currently insufficient to determine the role of this variant in disease. Therefore, it has been classified as a Variant of Uncertain Significance.

Fulgent Genetics
Classification: Uncertain significance for Senior-Loken syndrome 5. Last evaluated: 2024-06-10. Review status: criteria provided, single submitter. Criteria: ACMG Guidelines, 2015. Collection method: clinical testing. Allele origin: germline.